The following is an entry in ClinVar:

ClinVar aggregate classification (germline): Uncertain significance (1 of 4 stars; one submission).

Allele frequency attached by ClinVar (database versions not stated): TOPMed 0.00001; gnomAD 0.00002; gnomAD exomes 0.00002.
gnomAD v4.1: 36 of 1,608,110 alleles (0.0022%); highest among the groups gnomAD compares: South Asian, 0.031%; 1 homozygote.

Submission:

GeneDx
Classification: Uncertain significance. Last evaluated: 2023-04-17. Review status: criteria provided, single submitter. Criteria: GeneDx Variant Classification Process June 2021. Collection method: clinical testing. Allele origin: germline. Affected: yes.
Comment: In silico analysis supports that this missense variant does not alter protein structure/function; Has not been previously published as pathogenic or benign to our knowledge

NM_001127496.3(SPRY4):c.886G>A (p.Asp296Asn)

Gene: SPRY4 (sprouty RTK signaling antagonist 4; minus strand). Cytogenetic location: 5q31.3.
Variant type: single nucleotide variant.
Coding change: c.886G>A on transcript NM_001127496.3 (MANE Select); coding-DNA position 886, G replaced by A.
Protein change: p.Asp296Asn; replaces aspartic acid 296 with asparagine.
Molecular consequence: missense variant.
Genome position (GRCh38, 1-based): chr5:142,314,223, C>T on the plus strand (G>A on the coding strand, the complement: SPRY4 is on the minus strand). VCF-style: chr5-142314223-C-T. GRCh37 (hg19) VCF-style: chr5-141693788-C-T.
Other names: c.886G>A, p.Asp296Asn (NM_001293289.3, NM_001293290.3); c.955G>A, p.Asp319Asn (NM_030964.5); short protein forms D296N, D319N.
Identifiers: ClinVar variation 2663549 (VCV002663549.1), dbSNP rs771409068, ClinGen allele CA128844951.